The following is an entry in ClinVar:

NM_001034852.3(SMOC1):c.1223G>A (p.Cys408Tyr)

Gene: SMOC1 (SPARC related modular calcium binding 1; plus strand). Cytogenetic location: 14q24.2.
Variant type: single nucleotide variant.
Coding change: c.1223G>A on transcript NM_001034852.3 (MANE Select); coding-DNA position 1223, G replaced by A.
Protein change: p.Cys408Tyr; replaces cysteine 408 with tyrosine.
Molecular consequence: missense variant.
Genome position (GRCh38, 1-based): chr14:70,023,379, G>A. VCF-style: chr14-70023379-G-A. GRCh37 (hg19) VCF-style: chr14-70490096-G-A.
Other names: c.1223G>A, p.Cys408Tyr (NM_022137.6); short protein forms C408Y.
Identifiers: ClinVar variation 562134 (VCV000562134.2), dbSNP rs1326644602, ClinGen allele CA390213232.
Genomic context (GRCh38, chr14:70,023,379, plus strand): 5'-AGCGCTACGTGAAGAAGAAAGCCAAGCCCAAGAAATGTGCCCGGCGTTTCACCGACTACT[G>A]TGACCTGAACAAAGACAAGGTCATTTCACTGCCTGAGCTGAAGGGCTGCCTGGGTGTTAG-3'
Protein context (NP_001030024.1, residues 398-418): KKCARRFTDY[Cys408Tyr]DLNKDKVISL

ClinVar aggregate classification (germline): Likely pathogenic (0 of 4 stars; one submission).

Conditions:
Microphthalmia with limb anomalies (MLA). Also called: ANOPHTHALMIA-SYNDACTYLY; OPHTHALMOACROMELIC SYNDROME; MICROPHTHALMIA AND LIMB ANOMALIES. Identifiers: Orphanet 1106, MedGen C0599973, MONDO:0008800, OMIM 206920.

Allele frequency attached by ClinVar (database versions not stated): gnomAD exomes below 0.00001.

Submission:

Laboratory of Medical Genetics, University of Torino
Classification: Likely pathogenic for Microphthalmia with limb anomalies. Last evaluated: 2018-09-01. Review status: no assertion criteria provided. Collection method: clinical testing. Allele origin: paternal. Affected: yes. Observed: 1 variant allele.
Comment: Found in compound heterozygosity with c.709G>T